The following is an entry in ClinVar:

NM_207361.6(FREM2):c.2128C>T (p.Arg710Cys)

Gene: FREM2 (FRAS1 related extracellular matrix 2; plus strand). Cytogenetic location: 13q13.3.
Variant type: single nucleotide variant.
Coding change: c.2128C>T on transcript NM_207361.6 (MANE Select); coding-DNA position 2128, C replaced by T.
Protein change: p.Arg710Cys; replaces arginine 710 with cysteine.
Molecular consequence: missense variant.
Genome position (GRCh38, 1-based): chr13:38,689,472, C>T. VCF-style: chr13-38689472-C-T. GRCh37 (hg19) VCF-style: chr13-39263609-C-T.
Other names: short protein forms R710C.
Identifiers: ClinVar variation 193532 (VCV000193532.26), dbSNP rs41292753, ClinGen allele CA239077.
Genomic context (GRCh38, chr13:38,689,472, plus strand): 5'-GTGATTCGTATCCATCCTGTGGATCGCCTCCCTCCGGAGCTGGGCAGTGGCTGTCCCCTT[C>T]GTATGGTGGTACAGGAATCCCAGCTCACACCACTGAGGAAGAAGTGGCTGCGCTACACTG-3'
Protein context (NP_997244.4, residues 700-720): PPELGSGCPL[Arg710Cys]MVVQESQLTP

ClinVar aggregate classification (germline): Likely benign. Review status: criteria provided, multiple submitters, no conflicts (2 of 4 stars). 7 submissions from 7 submitters: Likely benign (5). 2 of the submissions do not count toward it. Last evaluated 2026-02-04.

Conditions:
Fraser syndrome 2 (FRASRS2). Identifiers: MedGen C4540036, MONDO:0054738, OMIM 617666.
FREM2-related disorder. Also called: FREM2-related condition.

Allele frequency attached by ClinVar (database versions not stated): 1000 Genomes Project 0.00040; 1000 Genomes Project 30x 0.00078; ExAC 0.00245; gnomAD exomes 0.00252 and 0.00346; ESP Exome Variant Server 0.00254; TOPMed 0.00257; gnomAD 0.00263 and 0.00274.
gnomAD v4.1: 5,431 of 1,614,018 alleles (0.34%); highest among the groups gnomAD compares: Non-Finnish European, 0.41%; 14 homozygotes.

Submissions (7):

Labcorp Genetics (formerly Invitae), Labcorp
Classification: Likely benign. Last evaluated: 2026-02-04. Review status: criteria provided, single submitter. Criteria: Invitae Variant Classification Sherloc (09022015). Collection method: clinical testing. Allele origin: germline.

GeneDx
Classification: Likely benign. Last evaluated: 2025-05-08. Review status: criteria provided, single submitter. Criteria: GeneDx Variant Classification Process June 2021. Collection method: clinical testing. Allele origin: germline. Affected: yes.
Comment: See Variant Classification Assertion Criteria.

Blueprint Genetics
Classification: Likely benign. Last evaluated: 2024-11-27. Review status: criteria provided, single submitter. Criteria: ACMG Guidelines, 2015. Collection method: clinical testing. Allele origin: germline.

Illumina Laboratory Services, Illumina
Classification: Likely benign for Fraser syndrome 2. Last evaluated: 2018-01-13. Review status: criteria provided, single submitter. Criteria: ICSL Variant Classification Criteria 13 December 2019. Collection method: clinical testing. Allele origin: germline.
Comment: This variant was observed in the ICSL laboratory as part of a predisposition screen in an ostensibly healthy population. It had not been previously curated by ICSL or reported in the Human Gene Mutation Database (HGMD: prior to June 1st, 2018), and was therefore a candidate for classification through an automated scoring system. Utilizing variant allele frequency, disease prevalence and penetrance estimates, and inheritance mode, an automated score was calculated to assess if this variant is too frequent to cause the disease. Based on the score and internal cut-off values, a variant classified as likely benign is not then subjected to further curation. The score for this variant resulted in a classification of likely benign for this disease.

Eurofins Ntd Llc (ga)
Classification: Likely benign. Last evaluated: 2016-10-19. Review status: criteria provided, single submitter. Criteria: EGL Classification Definitions 2015. Collection method: clinical testing. Allele origin: germline. Observed: 2 variant alleles, 2 heterozygotes.

PreventionGenetics, part of Exact Sciences
Classification: Likely benign for FREM2-related condition. Last evaluated: 2020-09-08. Review status: no assertion criteria provided. Collection method: clinical testing. Allele origin: germline. Not counted in ClinVar's aggregate classification.
Comment: This variant is classified as likely benign based on ACMG/AMP sequence variant interpretation guidelines (Richards et al. 2015 PMID: 25741868, with internal and published modifications).

Department of Pathology and Laboratory Medicine, Sinai Health System
Classification: Uncertain significance. Review status: no assertion criteria provided. Collection method: clinical testing. Allele origin: unknown. Affected: yes. Study: The Canadian Open Genetics Repository (COGR). Not counted in ClinVar's aggregate classification.
Comment: The FREM2 p.Arg710Cys variant was not identified in the literature nor was it identified in Cosmic. The variant was identified in dbSNP (ID: rs41292753), ClinVar (classified as likely benign by EGL Genetic Diagnostics and as a VUS by Illumina Clinical Services for Cryptophthalmos syndrome), and LOVD 3.0. The variant was identified in control databases in 725 of 282732 chromosomes (1 homozygous) at a frequency of 0.002564 increasing the likelihood this could be a low frequency benign variant (Genome Aggregation Database Feb 27, 2017). The variant was observed in the following populations: Other in 36 of 7224 chromosomes (freq: 0.004983), European (non-Finnish) in 535 of 129058 chromosomes (freq: 0.004145), Latino in 88 of 35434 chromosomes (freq: 0.002483), European (Finnish) in 40 of 25116 chromosomes (freq: 0.001593), Ashkenazi Jewish in 9 of 10368 chromosomes (freq: 0.000868) and African in 17 of 24962 chromosomes (freq: 0.000681), but was not observed in the East Asian or South Asian populations. The p.Arg710 residue is conserved in mammals but not in more distantly related organisms, and four out of five computational analyses (PolyPhen-2, SIFT, BLOSUM, MutationTaster) suggest that the variant may impact the protein; however, this information is not predictive enough to assume pathogenicity. The variant occurs outside of the splicing consensus sequence and in silico or computational prediction software programs (SpliceSiteFinder, MaxEntScan, NNSPLICE, GeneSplicer) do not predict a difference in splicing. In summary, based on the above information the clinical significance of this variant cannot be determined with certainty at this time. This variant is classified as a variant of uncertain significance.